The following is an entry in ClinVar:

NM_000038.6(APC):c.729+2040T>C

Gene: APC (APC regulator of WNT signaling pathway; plus strand). Cytogenetic location: 5q22.2.
Variant type: single nucleotide variant.
Coding change: c.729+2040T>C on transcript NM_000038.6 (MANE Select); 2040 bases into the intron after coding-DNA position 729, T replaced by C.
Molecular consequence: intron variant.
Genome position (GRCh38, 1-based): chr5:112,794,569, T>C. VCF-style: chr5-112794569-T-C. GRCh37 (hg19) VCF-style: chr5-112130266-T-C.
Other names: c.729+2040T>C (NM_001354895.2, NM_001127510.3, NM_001354896.2 and 1 more transcripts); c.759+2040T>C (NM_001354897.2, NM_001354902.2); c.676-6710T>C (NM_001127511.3); c.654+2040T>C (NM_001354898.2, NM_001354904.2); c.-307+2040T>C (NM_001354906.2); c.646-6710T>C (NM_001354899.2); c.552+2040T>C (NM_001354900.2, NM_001354901.2, NM_001354905.2).
Identifiers: ClinVar variation 82489 (VCV000082489.2), dbSNP rs75485063, ClinGen allele CA013095.

ClinVar aggregate classification (germline): other (0 of 4 stars; one submission).

Conditions:
Familial colorectal cancer. Identifiers: MedGen CN280943, MONDO:0023113. Disease mechanism: loss of function.

Submission:

Systems Biology Platform Zhejiang California International NanoSystems Institute
Classification: other for Familial colorectal cancer. Review status: no assertion criteria provided. Collection method: not provided. Allele origin: unknown.
ClinVar note: Converted during submission from cancer to other.